The following is an entry in ClinVar:

NM_005677.4(COLQ):c.394-137C>T

Gene: COLQ (collagen like tail subunit of asymmetric acetylcholinesterase; minus strand). Cytogenetic location: 3p25.1.
Variant type: single nucleotide variant.
Coding change: c.394-137C>T on transcript NM_005677.4 (MANE Select); 137 bases into the intron before coding-DNA position 394, C replaced by T.
Molecular consequence: intron variant.
Genome position (GRCh38, 1-based): chr3:15,477,334, G>A on the plus strand (C>T on the coding strand, the complement: COLQ is on the minus strand). VCF-style: chr3-15477334-G-A. GRCh37 (hg19) VCF-style: chr3-15518841-G-A.
Other names: c.292-137C>T (NM_080539.4); c.364-137C>T (NM_080538.2).
Identifiers: ClinVar variation 679251 (VCV000679251.2), dbSNP rs13095087, ClinGen allele CA15264079.

ClinVar aggregate classification (germline): Benign. Review status: criteria provided, multiple submitters, no conflicts (2 of 4 stars). 2 submissions from 2 submitters: Benign (2). Last evaluated 2018-06-19.

Allele frequency attached by ClinVar (database versions not stated): gnomAD exomes 0.43230; gnomAD 0.47051 and 0.47385; TOPMed 0.48170; 1000 Genomes Project 0.48642; 1000 Genomes Project 30x 0.48766.
gnomAD v4.1: 325,604 of 737,084 alleles (44%); highest among the groups gnomAD compares: African/African-American, 58%; 73,520 homozygotes.

Submissions (2):

GeneDx
Classification: Benign. Last evaluated: 2018-06-19. Review status: criteria provided, single submitter. Criteria: GeneDx Variant Classification (06012015). Collection method: clinical testing. Allele origin: germline. Affected: yes.
Comment: This variant is considered likely benign or benign based on one or more of the following criteria: it is a conservative change, it occurs at a poorly conserved position in the protein, it is predicted to be benign by multiple in silico algorithms, and/or has population frequency not consistent with disease.

Breakthrough Genomics
Classification: Benign. Review status: criteria provided, single submitter. Criteria: ACMG Guidelines, 2015. Collection method: not provided. Allele origin: germline. Inheritance: Autosomal recessive inheritance. Affected: yes.